The following is an entry in ClinVar:

ClinVar aggregate classification (germline): Pathogenic. Review status: criteria provided, single submitter (1 of 4 stars). 2 submissions from 1 submitter: Pathogenic (1). 1 of the submissions does not count toward it. Last evaluated 2022-09-14.

Conditions:
Autoimmune enteropathy and endocrinopathy - susceptibility to chronic infections syndrome. Also called: Immunodeficiency 31C, autosomal dominant; Immunodeficiency 31C. Identifiers: Orphanet 391487, MedGen C3279990, MONDO:0013599, OMIM 614162.
Mendelian susceptibility to mycobacterial diseases due to partial STAT1 deficiency. Also called: Immunodeficiency 31a; IMMUNODEFICIENCY 31A, MYCOBACTERIOSIS, AUTOSOMAL DOMINANT; STAT1 DEFICIENCY, AUTOSOMAL DOMINANT. Identifiers: Orphanet 319595, MedGen C4013950, MONDO:0013956, OMIM 614892.
Immunodeficiency 31B. Also called: STAT1 DEFICIENCY, AUTOSOMAL RECESSIVE; IMMUNODEFICIENCY 31B, MYCOBACTERIAL AND VIRAL INFECTIONS, AUTOSOMAL RECESSIVE. Identifiers: Orphanet 391311, MedGen C3151088, MONDO:0013427, OMIM 613796.

Submissions (2):

Labcorp Genetics (formerly Invitae), Labcorp
Classification: Pathogenic for Mendelian susceptibility to mycobacterial diseases due to partial STAT1 deficiency; Immunodeficiency 31B; Autoimmune enteropathy and endocrinopathy - susceptibility to chronic infections syndrome. Last evaluated: 2022-09-14. Review status: criteria provided, single submitter. Criteria: Invitae Variant Classification Sherloc (09022015). Collection method: clinical testing. Allele origin: germline.
Comment: A gross deletion of the genomic region encompassing the full coding sequence of the STAT1 gene has been identified. Loss-of-function variants in STAT1 are known to be pathogenic (PMID: 22651901). The boundaries of this event are unknown as they extend beyond the assayed region for this gene and therefore may encompass additional genes. This variant has not been reported in the literature in individuals affected with STAT1-related conditions. For these reasons, this variant has been classified as Pathogenic.

Labcorp Genetics (formerly Invitae), Labcorp
Classification: Uncertain significance. Last evaluated: 2022-09-14. Review status: flagged submission. Criteria: Invitae Variant Classification Sherloc (09022015). Collection method: clinical testing. Allele origin: germline. Not counted in ClinVar's aggregate classification.
Comment: A gross deletion of the genomic region encompassing the full coding sequence of the STAT4 gene has been identified. The current clinical and genetic evidence is not sufficient to establish whether loss-of-function variants in STAT4 cause disease. The boundaries of this event are unknown as they extend beyond the assayed region for this gene and therefore may encompass additional genes. This variant has not been reported in the literature in individuals affected with STAT4-related conditions. In summary, the available evidence is currently insufficient to determine the role of this variant in disease. Therefore, it has been classified as a Variant of Uncertain Significance.
ClinVar note: Reason: This record appears to be redundant with a more recent record from the same submitter.
ClinVar note: Notes: SCV003791297 appears to be redundant with SCV003791663.

Literature cited by the submitters: PubMed 22651901.

NC_000002.11:g.(?_191835429)_(192012929_?)del

Genes: STAT1 (signal transducer and activator of transcription 1; minus strand), STAT4 (signal transducer and activator of transcription 4; minus strand). Cytogenetic location: 2q32.2-32.3.
Variant type: Deletion.
Identifiers: ClinVar variation 2424633 (VCV002424633.4).